The following is an entry in ClinVar:

ClinVar aggregate classification (germline): Likely pathogenic (1 of 4 stars; one submission).

Conditions:
Immunodeficiency due to ficolin3 deficiency. Also called: FICOLIN 3 DEFICIENCY; FCN3 DEFICIENCY; LECTIN COMPLEMENT ACTIVATION PATHWAY, DEFECT IN, 3. Identifiers: Orphanet 331190, MedGen C3151226, MONDO:0013467, OMIM 613860.

Submission:

First Genomix Gene Laboratory, Genetic Diagnostics Department
Classification: Likely pathogenic for Immunodeficiency due to ficolin3 deficiency. Last evaluated: 2025-09-15. Review status: criteria provided, single submitter. Criteria: ACMG Guidelines, 2015. Collection method: clinical testing. Allele origin: germline. Inheritance: Autosomal recessive inheritance. Affected: no. Observed: 1 variant allele.

NM_003665.4(FCN3):c.73del (p.Glu25fs)

Gene: FCN3 (ficolin 3; minus strand). Cytogenetic location: 1p36.11.
Variant type: Deletion.
Coding change: c.73del on transcript NM_003665.4 (MANE Select); coding-DNA position 73, one base deleted (G; older notation c.73delG).
Protein change: p.Glu25fs; shifts the reading frame from glutamic acid 25.
Molecular consequence: frameshift variant.
Genome position (GRCh38, 1-based): chr1:27,374,746, C deleted on the plus strand (G on the coding strand, the reverse complement: FCN3 is on the minus strand); the first of 2 consecutive C bases (chr1:27,374,746-27,374,747); deleting either gives the same sequence. VCF-style (leftmost placement, unchanged base first): chr1-27374745-TC-T. GRCh37 (hg19) VCF-style: chr1-27701236-TC-T.
Other names: c.73del, p.Glu25fs (NM_173452.3); short protein forms E25fs.
Identifiers: ClinVar variation 4850321 (VCV004850321.1).